The following is an entry in ClinVar:

NM_000387.6(SLC25A20):c.842C>T (p.Ala281Val)

Gene: SLC25A20 (solute carrier family 25 member 20; minus strand). Cytogenetic location: 3p21.31.
Variant type: single nucleotide variant.
Coding change: c.842C>T on transcript NM_000387.6 (MANE Select); coding-DNA position 842, C replaced by T.
Protein change: p.Ala281Val; replaces alanine 281 with valine.
Molecular consequence: missense variant.
Genome position (GRCh38, 1-based): chr3:48,858,508, G>A on the plus strand (C>T on the coding strand, the complement: SLC25A20 is on the minus strand). VCF-style: chr3-48858508-G-A. GRCh37 (hg19) VCF-style: chr3-48895941-G-A.
Other names: short protein forms A281V.
Identifiers: ClinVar variation 1723815 (VCV001723815.7), dbSNP rs953809517, ClinGen allele CA73980651.

ClinVar aggregate classification (germline): Pathogenic/Likely pathogenic. Review status: criteria provided, multiple submitters, no conflicts (2 of 4 stars). 3 submissions from 3 submitters: Pathogenic (1); Likely pathogenic (2). Last evaluated 2024-05-14.

Conditions:
Carnitine acylcarnitine translocase deficiency (CACTD). Identifiers: Orphanet 159, MedGen C0342791, MONDO:0008918, OMIM 212138.

Allele frequency attached by ClinVar (database versions not stated): gnomAD 0.00001; TOPMed 0.00001.
gnomAD v4.1: 23 of 1,613,968 alleles (0.0014%); highest among the groups gnomAD compares: African/African-American, 0.0027%; no homozygotes.

Submissions (3):

Fulgent Genetics
Classification: Likely pathogenic for Carnitine acylcarnitine translocase deficiency. Last evaluated: 2024-05-14. Review status: criteria provided, single submitter. Criteria: ACMG Guidelines, 2015. Collection method: clinical testing. Allele origin: germline.

Labcorp Genetics (formerly Invitae), Labcorp
Classification: Likely pathogenic for Carnitine acylcarnitine translocase deficiency. Last evaluated: 2024-01-31. Review status: criteria provided, single submitter. Criteria: Invitae Variant Classification Sherloc (09022015). Collection method: clinical testing. Allele origin: germline.
Comment: This sequence change replaces alanine, which is neutral and non-polar, with valine, which is neutral and non-polar, at codon 281 of the SLC25A20 protein (p.Ala281Val). The frequency data for this variant in the population databases is considered unreliable, as metrics indicate poor data quality at this position in the gnomAD database. This missense change has been observed in individual(s) with carnitine-acylcarnitine translocase deficiency (PMID: 15365988). ClinVar contains an entry for this variant (Variation ID: 1723815). An algorithm developed to predict the effect of missense changes on protein structure and function (PolyPhen-2) suggests that this variant is likely to be disruptive. In summary, the currently available evidence indicates that the variant is pathogenic, but additional data are needed to prove that conclusively. Therefore, this variant has been classified as Likely Pathogenic.

GeneDx
Classification: Pathogenic. Last evaluated: 2023-06-23. Review status: criteria provided, single submitter. Criteria: GeneDx Variant Classification Process June 2021. Collection method: clinical testing. Allele origin: germline. Affected: yes.
Comment: Published functional studies demonstrate a damaging effect of severely reduced fatty acid oxidation rate and enzyme activity (Iacobazzi et al., 2004); Not observed at significant frequency in large population cohorts (gnomAD); In silico analysis supports that this missense variant has a deleterious effect on protein structure/function; This variant is associated with the following publications: (PMID: 16843431, 16919490, 15365988, 25614308, 21605995, 36835358)

Literature cited by the submitters: PubMed 15365988 (cited by Labcorp Genetics (formerly Invitae), Labcorp).